The following is an entry in ClinVar:

ClinVar aggregate classification (germline): Uncertain significance. Review status: criteria provided, multiple submitters, no conflicts (2 of 4 stars). 2 submissions from 2 submitters: Uncertain significance (2). Last evaluated 2024-08-13.

Allele frequency attached by ClinVar (database versions not stated): gnomAD exomes below 0.00001.
gnomAD v4.1: 6 of 1,614,124 alleles (0.00037%); highest among the groups gnomAD compares: Non-Finnish European, 0.00051%; no homozygotes.

Submissions (2):

Labcorp Genetics (formerly Invitae), Labcorp
Classification: Uncertain significance. Last evaluated: 2024-08-13. Review status: criteria provided, single submitter. Criteria: Invitae Variant Classification Sherloc (09022015). Collection method: clinical testing. Allele origin: germline.
Comment: This sequence change replaces alanine, which is neutral and non-polar, with threonine, which is neutral and polar, at codon 148 of the GRHL2 protein (p.Ala148Thr). This variant is not present in population databases (gnomAD no frequency). This variant has not been reported in the literature in individuals affected with GRHL2-related conditions. ClinVar contains an entry for this variant (Variation ID: 1307574). Invitae Evidence Modeling of protein sequence and biophysical properties (such as structural, functional, and spatial information, amino acid conservation, physicochemical variation, residue mobility, and thermodynamic stability) indicates that this missense variant is not expected to disrupt GRHL2 protein function with a negative predictive value of 80%. In summary, the available evidence is currently insufficient to determine the role of this variant in disease. Therefore, it has been classified as a Variant of Uncertain Significance.

GeneDx
Classification: Uncertain significance. Last evaluated: 2019-08-08. Review status: criteria provided, single submitter. Criteria: GeneDx Variant Classification Process June 2021. Collection method: clinical testing. Allele origin: germline. Affected: yes.
Comment: Not observed in large population cohorts (Lek et al., 2016); In silico analysis, which includes protein predictors and evolutionary conservation, supports that this variant does not alter protein structure/function; Has not been previously published as pathogenic or benign to our knowledge

NM_024915.4(GRHL2):c.442G>A (p.Ala148Thr)

Gene: GRHL2 (grainyhead like transcription factor 2; plus strand). Cytogenetic location: 8q22.3.
Variant type: single nucleotide variant.
Coding change: c.442G>A on transcript NM_024915.4 (MANE Select); coding-DNA position 442, G replaced by A.
Protein change: p.Ala148Thr; replaces alanine 148 with threonine.
Molecular consequence: missense variant.
Genome position (GRCh38, 1-based): chr8:101,558,576, G>A. VCF-style: chr8-101558576-G-A. GRCh37 (hg19) VCF-style: chr8-102570804-G-A.
Other names: c.394G>A, p.Ala132Thr (NM_001330593.2); short protein forms A132T, A148T.
Identifiers: ClinVar variation 1307574 (VCV001307574.4), dbSNP rs2130176200, ClinGen allele CA371643977.